The following is an entry in ClinVar:

NM_030912.3(TRIM8):c.1025A>G (p.Lys342Arg)

Gene: TRIM8 (tripartite motif containing 8; plus strand). Cytogenetic location: 10q24.32.
Variant type: single nucleotide variant.
Coding change: c.1025A>G on transcript NM_030912.3 (MANE Select); coding-DNA position 1025, A replaced by G.
Protein change: p.Lys342Arg; replaces lysine 342 with arginine.
Molecular consequence: missense variant. On other transcripts: non-coding transcript variant (1).
Genome position (GRCh38, 1-based): chr10:102,656,362, A>G. VCF-style: chr10-102656362-A-G. GRCh37 (hg19) VCF-style: chr10-104416119-A-G.
Other names: c.929A>G, p.Lys310Arg (NM_001345950.1); short protein forms K310R, K342R.
Identifiers: ClinVar variation 3699993 (VCV003699993.2).

ClinVar aggregate classification (germline): Uncertain significance (1 of 4 stars; one submission).

gnomAD v4.1: 20 of 1,613,714 alleles (0.0012%); highest among the groups gnomAD compares: Non-Finnish European, 0.0017%; no homozygotes.

Submission:

Labcorp Genetics (formerly Invitae), Labcorp
Classification: Uncertain significance. Last evaluated: 2025-02-24. Review status: criteria provided, single submitter. Criteria: Invitae Variant Classification Sherloc (09022015). Collection method: clinical testing. Allele origin: germline.
Comment: This sequence change replaces lysine, which is basic and polar, with arginine, which is basic and polar, at codon 342 of the TRIM8 protein (p.Lys342Arg). This variant is present in population databases (no rsID available, gnomAD 0.0009%). This variant has not been reported in the literature in individuals affected with TRIM8-related conditions. An algorithm developed to predict the effect of missense changes on protein structure and function (PolyPhen-2) suggests that this variant is likely to be disruptive. In summary, the available evidence is currently insufficient to determine the role of this variant in disease. Therefore, it has been classified as a Variant of Uncertain Significance.